The following is an entry in ClinVar:

ClinVar aggregate classification (germline): Pathogenic. Review status: reviewed by expert panel (3 of 4 stars). 7 submissions from 7 submitters: Pathogenic (1). 6 of the submissions do not count toward it. Last evaluated 2016-10-18.

Conditions:
Breast and/or ovarian cancer. Identifiers: MedGen CN221562.
Hereditary cancer-predisposing syndrome. Also called: Hereditary Cancer Syndrome; Neoplastic Syndromes, Hereditary; Hereditary neoplastic syndrome; Tumor predisposition. Identifiers: Orphanet 140162, MedGen C0027672, MeSH D009386, MONDO:0015356.
Breast-ovarian cancer, familial, susceptibility to, 1 (BROVCA1). Also called: BRCA1 Hereditary Breast and Ovarian Cancer; OVARIAN CANCER, SUSCEPTIBILITY TO. Identifiers: Orphanet 145, MedGen C2676676, MONDO:0011450, OMIM 604370. Disease mechanism: loss of function.
Fanconi anemia, complementation group S (FANCS). Identifiers: MedGen C4554406, MONDO:0054748, OMIM 617883.
Familial cancer of breast. Also called: BREAST CANCER, FAMILIAL; hereditary breast carcinoma; Hereditary breast cancer. Identifiers: Orphanet 227535, MedGen C0346153, MONDO:0016419, OMIM 114480. Disease mechanism: loss of function.

Submissions (7):

Evidence-based Network for the Interpretation of Germline Mutant Alleles (ENIGMA)
Classification: Pathogenic for Breast-ovarian cancer, familial, susceptibility to, 1. Last evaluated: 2016-10-18. Review status: reviewed by expert panel. Criteria: ENIGMA BRCA1/2 Classification Criteria (2015). Collection method: curation. Allele origin: germline.
Comment: Variant allele predicted to encode a truncated non-functional protein.

Quest Diagnostics Nichols Institute San Juan Capistrano
Classification: Pathogenic. Last evaluated: 2024-06-13. Review status: criteria provided, single submitter. Criteria: Quest Diagnostics criteria. Collection method: clinical testing. Allele origin: unknown. Not counted in ClinVar's aggregate classification.
Comment: The BRCA1 c.3143del (p.Gly1048Valfs*14) variant alters the translational reading frame of the BRCA1 mRNA and causes the premature termination of BRCA1 protein synthesis. This variant has been reported in the published literature in individuals with breast cancer (BC) (PMIDs: 22762150 (2012), 32341426 (2020)) and in individuals with ovarian cancer (OC) (PMID: 36367610 (2023)). Based on the available information, this variant is classified as pathogenic.

CHEO Genetics Diagnostic Laboratory, Children's Hospital of Eastern Ontario
Classification: Pathogenic for Breast and/or ovarian cancer. Last evaluated: 2022-10-19. Review status: criteria provided, single submitter. Criteria: ACMG Guidelines, 2015. Collection method: clinical testing. Allele origin: germline. Not counted in ClinVar's aggregate classification.

Department of Pathology and Laboratory Medicine, Sinai Health System
Classification: Pathogenic for Familial cancer of breast; Breast-ovarian cancer, familial, susceptibility to, 1; Fanconi anemia, complementation group S. Last evaluated: 2021-08-17. Review status: criteria provided, single submitter. Criteria: ACMG Guidelines, 2015. Collection method: clinical testing. Allele origin: germline. Affected: no. Not counted in ClinVar's aggregate classification.

Ambry Genetics
Classification: Pathogenic for Hereditary cancer-predisposing syndrome. Last evaluated: 2018-07-09. Review status: criteria provided, single submitter. Criteria: Ambry Variant Classification Scheme 2023. Collection method: clinical testing. Allele origin: germline. Not counted in ClinVar's aggregate classification.
Comment: The c.3143delG pathogenic mutation, located in coding exon 9 of the BRCA1 gene, results from a deletion of one nucleotide at nucleotide position 3143, causing a translational frameshift with a predicted alternate stop codon (p.G1048Vfs*14). This pathogenic mutation was detected in one family undergoing BRCA1 and BRCA2 testing (Lecarpentier J et al. Breast Cancer Res. 2012;14:R99). In addition to the clinical data presented in the literature, this alteration is expected to result in loss of function by premature protein truncation or nonsense-mediated mRNA decay. As such, this alteration is interpreted as a disease-causing mutation.

Consortium of Investigators of Modifiers of BRCA1/2 (CIMBA), c/o University of Cambridge
Classification: Pathogenic for Breast-ovarian cancer, familial, susceptibility to, 1. Last evaluated: 2015-10-02. Review status: criteria provided, single submitter. Criteria: CIMBA Mutation Classification guidelines May 2016. Collection method: clinical testing. Allele origin: germline. Not counted in ClinVar's aggregate classification.

BRCAlab, Lund University
Classification: Pathogenic for Breast-ovarian cancer, familial, susceptibility to, 1. Last evaluated: 2020-03-02. Review status: no assertion criteria provided. Collection method: clinical testing. Allele origin: germline. Affected: yes. Not counted in ClinVar's aggregate classification.

Literature cited by the submitters: PubMed 22762150 (cited by 3 submitters); PubMed 32341426 (cited by Quest Diagnostics Nichols Institute San Juan Capistrano); PubMed 29922827 (cited by Quest Diagnostics Nichols Institute San Juan Capistrano and Ambry Genetics); PubMed 29446198 (cited by Quest Diagnostics Nichols Institute San Juan Capistrano); PubMed 36367610 (cited by Quest Diagnostics Nichols Institute San Juan Capistrano).

NM_007294.4(BRCA1):c.3143del (p.Gly1048fs)

Gene: BRCA1 (BRCA1 DNA repair associated; minus strand). Cytogenetic location: 17q21.31.
Variant type: Deletion.
Coding change: c.3143del on transcript NM_007294.4 (MANE Select); coding-DNA position 3143, one base deleted (G; older notation c.3143delG).
Protein change: p.Gly1048fs; shifts the reading frame from glycine 1048.
Molecular consequence: frameshift variant. On other transcripts: intron variant (137).
Genome position (GRCh38, 1-based): chr17:43,092,388, C deleted on the plus strand (G on the coding strand, the reverse complement: BRCA1 is on the minus strand); the first of 2 consecutive C bases (chr17:43,092,388-43,092,389); deleting either gives the same sequence. VCF-style (leftmost placement, unchanged base first): chr17-43092387-AC-A. GRCh37 (hg19) VCF-style: chr17-41244404-AC-A.
Other names: 3262delG-ter1061; c.3143delG (NM_007294.3); c.3143del, p.Gly1048fs (NM_001407581.1, NM_001407582.1, NM_001407583.1 and 30 more transcripts); c.3140del, p.Gly1047fs (NM_001407587.1, NM_001407590.1, NM_001407591.1 and 22 more transcripts); c.3134del, p.Gly1045fs (NM_001407646.1, NM_001407647.1); c.3020del, p.Gly1007fs (NM_001407648.1, NM_001407664.1, NM_001407665.1 and 19 more transcripts); c.3017del, p.Gly1006fs (NM_001407649.1, NM_001407670.1, NM_001407671.1 and 11 more transcripts); c.3065del, p.Gly1022fs (NM_001407653.1, NM_001407654.1, NM_001407655.1 and 4 more transcripts); and 43 more; short protein forms G1001fs, G1048fs, G1007fs, G752fs, G880fs, G936fs, G937fs, G980fs.
Identifiers: ClinVar variation 266338 (VCV000266338.14), dbSNP rs886040100, ClinGen allele CA10589781.
Genomic context (GRCh38, chr17:43,092,387, plus strand): 5'-AATGTTTTCATCACTGGAACCTATTTCATTAATACTGGAGCCCACTTCATTAGTACTGGA[AC>A]CTACTTCATTAATATTGCTTGAGCTGGCTTCTTTAAAAACATTTTCTCTAATGTTATTAC-3'